The following is an entry in ClinVar:

NM_177438.3(DICER1):c.3884G>T (p.Gly1295Val)

Gene: DICER1 (dicer 1, ribonuclease III; minus strand). Cytogenetic location: 14q32.13.
Variant type: single nucleotide variant.
Coding change: c.3884G>T on transcript NM_177438.3 (MANE Select); coding-DNA position 3884, G replaced by T.
Protein change: p.Gly1295Val; replaces glycine 1295 with valine.
Molecular consequence: missense variant. On other transcripts: non-coding transcript variant (6).
Genome position (GRCh38, 1-based): chr14:95,103,512, C>A on the plus strand (G>T on the coding strand, the complement: DICER1 is on the minus strand). VCF-style: chr14-95103512-C-A. GRCh37 (hg19) VCF-style: chr14-95569849-C-A.
Other names: c.3479G>T, p.Gly1160Val (NM_001395696.1, NM_001395687.1, NM_001395688.1 and 2 more transcripts); c.2201G>T, p.Gly734Val (NM_001395697.1); c.3884G>T, p.Gly1295Val (NM_030621.4, NM_001195573.1, NM_001271282.3 and 12 more transcripts); c.3602G>T, p.Gly1201Val (NM_001395686.1); c.3317G>T, p.Gly1106Val (NM_001395691.1); short protein forms G1106V, G1160V, G734V, G1201V, G1295V.
Identifiers: ClinVar variation 5035254 (VCV005035254.1).

ClinVar aggregate classification (germline): Uncertain significance (1 of 4 stars; one submission).

Conditions:
Hereditary cancer-predisposing syndrome. Also called: Hereditary Cancer Syndrome; Neoplastic Syndromes, Hereditary; Tumor predisposition; Hereditary neoplastic syndrome. Identifiers: Orphanet 140162, MedGen C0027672, MeSH D009386, MONDO:0015356.

gnomAD v4.1: 1 of 1,614,124 alleles (0.000062%); highest among the groups gnomAD compares: Non-Finnish European, 0.000085%; no homozygotes.

Submission:

Ambry Genetics
Classification: Uncertain significance for Hereditary cancer-predisposing syndrome. Last evaluated: 2026-07-06. Review status: criteria provided, single submitter. Criteria: Ambry Variant Classification Scheme 2023. Collection method: clinical testing. Allele origin: germline.
Comment: The p.G1295V variant (also known as c.3884G>T), located in coding exon 20 of the DICER1 gene, results from a G to T substitution at nucleotide position 3884. The glycine at codon 1295 is replaced by valine, an amino acid with dissimilar properties. This amino acid position is conserved. In addition, this alteration is predicted to be deleterious by in silico analysis. Based on the available evidence, the clinical significance of this variant remains unclear.